The following is an entry in ClinVar:

ClinVar aggregate classification (germline): Uncertain significance (1 of 4 stars; one submission).

Conditions:
Mitochondrial complex II deficiency, nuclear type 1. Also called: SUCCINATE CoQ REDUCTASE DEFICIENCY. Identifiers: Orphanet 3208, MedGen C5700310, MONDO:0100294, OMIM 252011.

Allele frequency attached by ClinVar (database versions not stated): gnomAD exomes below 0.00001.
gnomAD v4.1: 1 of 1,544,516 alleles (0.000065%); highest among the groups gnomAD compares: South Asian, 0.0012%; no homozygotes.

Submission:

Baylor Genetics
Classification: Uncertain significance for Mitochondrial complex II deficiency, nuclear type 1. Last evaluated: 2018-10-11. Review status: criteria provided, single submitter. Criteria: ACMG Guidelines, 2015. Collection method: clinical testing. Allele origin: unknown. Affected: yes.
Comment: This variant was determined to be of uncertain significance according to ACMG Guidelines, 2015 [PMID:25741868].

NM_001042631.3(SDHAF1):c.*5C>A

Genes: SDHAF1 (succinate dehydrogenase complex assembly factor 1; plus strand), LOC130064281 (ATAC-STARR-seq lymphoblastoid silent region 10546; plus strand). Cytogenetic location: 19q13.12.
Variant type: single nucleotide variant.
Coding change: c.*5C>A on transcript NM_001042631.3 (MANE Select); 5 bases downstream of the stop codon, C replaced by A.
Molecular consequence: 3 prime UTR variant.
Genome position (GRCh38, 1-based): chr19:35,995,627, C>A. VCF-style: chr19-35995627-C-A. GRCh37 (hg19) VCF-style: chr19-36486529-C-A.
Identifiers: ClinVar variation 1033243 (VCV001033243.1), dbSNP rs1234271175, ClinGen allele CA2333921095.
Genomic context (GRCh38, chr19:35,995,627, plus strand): 5'-CAAGGAACCCCCACGACAGCACGGGGGCACCGGAGACCCGCCCCGACGGACGGTGACAGG[C>A]GAAGAGCCGAACTCGCTCGATGGCGTGGTGGAGCCAGGAGGCTCGCCTGACTGCATGGGG-3'